The following is an entry in ClinVar:

ClinVar aggregate classification (germline): Pathogenic/Likely pathogenic. Review status: criteria provided, multiple submitters, no conflicts (2 of 4 stars). 11 submissions from 11 submitters: Pathogenic (6); Likely pathogenic (1). 4 of the submissions do not count toward it. Last evaluated 2025-10-09.

Conditions:
Autosomal recessive limb-girdle muscular dystrophy. Identifiers: Orphanet 102015, MedGen C2931907, MONDO:0015152.
Neuromuscular disease caused by qualitative or quantitative defects of dysferlin. Also called: Dysferlinopathy; Qualitative or quantitative defects of dysferlin. Identifiers: Orphanet 207073, MedGen C2931687, MONDO:0016145.
Autosomal recessive limb-girdle muscular dystrophy type 2B (LGMDR2). Also called: MUSCULAR DYSTROPHY, LIMB-GIRDLE, TYPE 3; Limb-girdle muscular dystrophy, type 2B; Limb-Girdle Muscular Dystrophy Type 2B (LGMD2B); MUSCULAR DYSTROPHY, LIMB-GIRDLE, AUTOSOMAL RECESSIVE 2. Identifiers: Orphanet 268, MedGen C1850889, MONDO:0009676, OMIM 253601.
Distal myopathy with anterior tibial onset. Identifiers: Orphanet 178400, MedGen C1847532, MONDO:0011721, OMIM 606768.
Miyoshi muscular dystrophy 1 (MMD1). Identifiers: Orphanet 45448, MedGen C4551973, MONDO:0024545, OMIM 254130.

Allele frequency attached by ClinVar (database versions not stated): gnomAD exomes 0.00001 and 0.00003; gnomAD 0.00001; ExAC 0.00002.
gnomAD v4.1: 20 of 1,613,994 alleles (0.0012%); highest among the groups gnomAD compares: East Asian, 0.042%; no homozygotes.

Submissions (11):

Natera, Inc.
Classification: Pathogenic for Limb-girdle muscular dystrophy type 2B. Last evaluated: 2025-10-09. Review status: criteria provided, single submitter. Criteria: Natera Variant Classification Schema (03/2026). Collection method: clinical testing. Allele origin: germline.
Comment: The c.2997G>T variant in DYSF is a missense variant predicted to cause substitution of tryptophan to cysteine at amino acid 999. This variant is rare in the general population with a frequency below the threshold expected for the associated phenotype(s). This variant has been observed in one or more individuals affected with the associated recessive disease, as either homozygous or compound heterozygous with a second variant (PMID: 27647186, 27602406, 23243261). Computational prediction algorithms indicate this variant is likely to affect gene or protein function. Given the available evidence, this variant is classified as Pathogenic.

3billion
Classification: Pathogenic for Autosomal recessive limb-girdle muscular dystrophy type 2B. Last evaluated: 2025-08-19. Review status: criteria provided, single submitter. Criteria: ACMG Guidelines, 2015. Collection method: clinical testing. Allele origin: germline. Affected: yes.
Comment: The variant is observed at an extremely low frequency in the gnomAD v4.1.0 dataset (total allele frequency: 0.001%). Predicted Consequence/Location: The variant is located in a mutational hot spot and/or well-established functional domain in which established pathogenic variants have been reported (PMID: 32400077). In silico tool predictions suggest damaging effect of the variant on gene or gene product [REVEL: 0.88 (>=0.6, sensitivity 0.68 and specificity 0.92); 3Cnet: 0.97 (> 0.75, sensitivity 0.96 and precision 0.92)]. The same nucleotide change resulting in the same amino acid change has been previously reported as pathogenic/likely pathogenic with strong evidence (ClinVar ID: VCV000006674 /PMID: None /3billion dataset). The variant has been reported to be in trans with a pathogenic variant as either compound heterozygous or homozygous in at least 2 similarly affected unrelated individuals (PMID: 23243261, 32400077). A different missense change at the same codon (p.Trp1017Arg) has been reported to be associated with DYSF-related disorder (PMID: 30366248). Therefore, this variant is classified as Pathogenic according to the recommendation of ACMG/AMP guideline.

Labcorp Genetics (formerly Invitae), Labcorp
Classification: Pathogenic for Neuromuscular disease caused by qualitative or quantitative defects of dysferlin. Last evaluated: 2024-03-11. Review status: criteria provided, single submitter. Criteria: Invitae Variant Classification Sherloc (09022015). Collection method: clinical testing. Allele origin: germline.
Comment: This sequence change replaces tryptophan, which is neutral and slightly polar, with cysteine, which is neutral and slightly polar, at codon 999 of the DYSF protein (p.Trp999Cys). This variant is present in population databases (rs28937581, gnomAD 0.02%). This missense change has been observed in individual(s) with dysferlinopathies (PMID: 12796534, 15293763, 22849992, 27363342, 27647186, 30366248). ClinVar contains an entry for this variant (Variation ID: 6674). Advanced modeling of protein sequence and biophysical properties (such as structural, functional, and spatial information, amino acid conservation, physicochemical variation, residue mobility, and thermodynamic stability) performed at Invitae indicates that this missense variant is expected to disrupt DYSF protein function with a positive predictive value of 95%. For these reasons, this variant has been classified as Pathogenic.

Fulgent Genetics
Classification: Likely pathogenic for Autosomal recessive limb-girdle muscular dystrophy type 2B; Miyoshi muscular dystrophy 1; Distal myopathy with anterior tibial onset. Last evaluated: 2024-03-06. Review status: criteria provided, single submitter. Criteria: ACMG Guidelines, 2015. Collection method: clinical testing. Allele origin: germline.

Women's Health and Genetics/Laboratory Corporation of America, LabCorp
Classification: Pathogenic for Autosomal recessive limb-girdle muscular dystrophy. Last evaluated: 2024-03-06. Review status: criteria provided, single submitter. Criteria: LabCorp Variant Classification Summary - May 2015. Collection method: clinical testing. Allele origin: germline.
Comment: Variant summary: DYSF c.2997G>T (p.Trp999Cys) results in a non-conservative amino acid change located in the Peroxin/Ferlin domain (IPR006614) of the encoded protein sequence. Five of five in-silico tools predict a damaging effect of the variant on protein function. The variant allele was found at a frequency of 1.2e-05 in 251478 control chromosomes (gnomAD). c.2997G>T has been reported in the literature in multiple individuals affected with Limb-Girdle Muscular Dystrophy, Autosomal Recessive (e.g. Takahashi_2013), both in the homozygous state and in the compound heterozygous state with other (likely) pathogenic variants. These data indicate that the variant is very likely to be associated with disease. The following publication has been ascertained in the context of this evaluation (PMID: 23243261). ClinVar contains an entry for this variant (Variation ID: 6674). Based on the evidence outlined above, the variant was classified as pathogenic.

Baylor Genetics
Classification: Pathogenic for Miyoshi muscular dystrophy 1. Last evaluated: 2024-02-14. Review status: criteria provided, single submitter. Criteria: ACMG Guidelines, 2015. Collection method: clinical testing. Allele origin: unknown.

Eurofins Ntd Llc (ga)
Classification: Pathogenic. Last evaluated: 2012-12-26. Review status: criteria provided, single submitter. Criteria: EGL Classification Definitions. Collection method: clinical testing. Allele origin: germline. Observed: 2 variant alleles, 2 heterozygotes.

Department of Rehabilitation Medicine, Incheon St. Mary’s Hospital, College of Medicine, The Catholic University of Korea
Classification: Pathogenic for Autosomal recessive limb-girdle muscular dystrophy type 2B. Last evaluated: 2019-02-11. Review status: no assertion criteria provided. Collection method: research. Allele origin: paternal. Inheritance: Autosomal recessive inheritance. Affected: yes. Observed: 1 compound heterozygote. Not counted in ClinVar's aggregate classification.

Counsyl
Classification: Pathogenic for Autosomal recessive limb-girdle muscular dystrophy type 2B. Last evaluated: 2017-01-24. Review status: no assertion criteria provided. Collection method: clinical testing. Allele origin: unknown. Not counted in ClinVar's aggregate classification.

OMIM
Classification: Pathogenic for MIYOSHI MUSCULAR DYSTROPHY 1. Last evaluated: 2003-06-10. Review status: no assertion criteria provided. Collection method: literature only. Allele origin: germline. Not counted in ClinVar's aggregate classification.

GeneReviews
No classification provided. Condition: Miyoshi muscular dystrophy 1. Review status: no classification provided. Collection method: literature only. Allele origin: germline. Not counted in ClinVar's aggregate classification.
Comment: Common variant assoc with milder form

Literature cited by the submitters: PubMed 27647186 (cited by Natera, Inc. and Labcorp Genetics (formerly Invitae), Labcorp); PubMed 27602406 (cited by Natera, Inc.); PubMed 23243261 (cited by 4 submitters); PubMed 30366248 (cited by 3billion and Labcorp Genetics (formerly Invitae), Labcorp); PubMed 32400077 (cited by 3billion and GeneReviews); PubMed 12796534 (cited by Labcorp Genetics (formerly Invitae), Labcorp and OMIM); PubMed 15293763 (cited by Labcorp Genetics (formerly Invitae), Labcorp); PubMed 22849992 (cited by Labcorp Genetics (formerly Invitae), Labcorp); PubMed 27363342 (cited by Labcorp Genetics (formerly Invitae), Labcorp); PubMed 26579332 (cited by Counsyl); PubMed 15835269 (cited by Counsyl); Matsumura, T., Aoki, M., Nagano, A., Hayashi, Y. K., Asada, C., Ogawa, M., Yamanaka, G., Goto, K., Nakagawa, M., Oka, H., Sahashi, K., Kouhara, N., Saito, Y., Brown, R. H., Jr., Nonaka, I., Arahata, K. Molecular genetic analysis of dysferlin in Japanese patients with Miyoshi myopathy. Proc. Jpn. Acad. 75B: 207-212, 1999. (cited by OMIM).

NM_001130987.2(DYSF):c.3051G>T (p.Trp1017Cys)

Gene: DYSF (dysferlin; plus strand). Cytogenetic location: 2p13.2.
Variant type: single nucleotide variant.
Coding change: c.3051G>T on transcript NM_001130987.2 (MANE Select); coding-DNA position 3051, G replaced by T.
Protein change: p.Trp1017Cys; replaces tryptophan 1017 with cysteine.
Molecular consequence: missense variant.
Genome position (GRCh38, 1-based): chr2:71,570,300, G>T. VCF-style: chr2-71570300-G-T. GRCh37 (hg19) VCF-style: chr2-71797430-G-T.
Other names: c.2997G>T, p.Trp999Cys (NM_003494.4, NM_001130978.2); c.3000G>T, p.Trp1000Cys (NM_001130455.2, NM_001130983.2); c.2955G>T, p.Trp985Cys (NM_001130976.2, NM_001130977.2); c.3090G>T, p.Trp1030Cys (NM_001130979.2); c.3048G>T, p.Trp1016Cys (NM_001130980.2, NM_001130981.2); c.3093G>T, p.Trp1031Cys (NM_001130982.2); c.2958G>T, p.Trp986Cys (NM_001130984.2, NM_001130986.2); c.3051G>T, p.Trp1017Cys (NM_001130985.2); short protein forms W999C, W1017C, W1000C, W1030C, W1031C, W1016C, W985C, W986C.
Identifiers: ClinVar variation 6674 (VCV000006674.35), dbSNP rs28937581, ClinGen allele CA222147.